The following is an entry in ClinVar:

NM_005909.5(MAP1B):c.5997C>T (p.His1999=)

Gene: MAP1B (microtubule associated protein 1B; plus strand). Cytogenetic location: 5q13.2.
Variant type: single nucleotide variant.
Coding change: c.5997C>T on transcript NM_005909.5 (MANE Select); coding-DNA position 5997, C replaced by T.
Protein change: p.His1999=; no amino-acid change (histidine 1999 retained).
Molecular consequence: synonymous variant.
Genome position (GRCh38, 1-based): chr5:72,199,352, C>T. VCF-style: chr5-72199352-C-T. GRCh37 (hg19) VCF-style: chr5-71495179-C-T.
Other names: c.5619C>T, p.His1873= (NM_001324255.2).
Identifiers: ClinVar variation 791091 (VCV000791091.32), dbSNP rs146865737, ClinGen allele CA3299412.
Genomic context (GRCh38, chr5:72,199,352, plus strand): 5'-GTCTAGAAGGCTTCTGGATGACATCAGCAATGGCTATGATGACTCTGAGGATGGTGGCCA[C>T]ACACTTGGGGACCCCAGCTACTCTTATGAAACCACTGAGAAAATTACCAGTTTCCCTGAG-3'
Protein context (NP_005900.2, residues 1989-2009): NGYDDSEDGG[His1999=]TLGDPSYSYE

ClinVar aggregate classification (germline): Likely benign. Review status: criteria provided, multiple submitters, no conflicts (2 of 4 stars). 3 submissions from 3 submitters: Likely benign (2). 1 of the submissions does not count toward it. Last evaluated 2026-05-01.

Conditions:
MAP1B-related disorder. Also called: MAP1B-related condition.

Allele frequency attached by ClinVar (database versions not stated): 1000 Genomes Project 30x 0.00031; 1000 Genomes Project 0.00040; ESP Exome Variant Server 0.00092; TOPMed 0.00143; gnomAD 0.00166 and 0.00169.
gnomAD v4.1: 3,123 of 1,614,130 alleles (0.19%); highest among the groups gnomAD compares: Non-Finnish European, 0.23%; 6 homozygotes.

Submissions (3):

CeGaT Center for Human Genetics Tuebingen
Classification: Likely benign. Last evaluated: 2026-05-01. Review status: criteria provided, single submitter. Criteria: CeGaT Center For Human Genetics Tuebingen Variant Classification Criteria Version 2. Collection method: clinical testing. Allele origin: germline. Affected: yes. Observed: 9 variant alleles.
Comment: MAP1B: BP4, BP7

Labcorp Genetics (formerly Invitae), Labcorp
Classification: Likely benign. Last evaluated: 2019-12-31. Review status: criteria provided, single submitter. Criteria: Invitae Variant Classification Sherloc (09022015). Collection method: clinical testing. Allele origin: germline.

PreventionGenetics, part of Exact Sciences
Classification: Likely benign for MAP1B-related condition. Last evaluated: 2019-08-30. Review status: no assertion criteria provided. Collection method: clinical testing. Allele origin: germline. Not counted in ClinVar's aggregate classification.
Comment: This variant is classified as likely benign based on ACMG/AMP sequence variant interpretation guidelines (Richards et al. 2015 PMID: 25741868, with internal and published modifications).